The following is an entry in ClinVar:

ClinVar aggregate classification (germline): Uncertain significance (1 of 4 stars; one submission).

Submission:

Ambry Genetics
Classification: Uncertain significance. Last evaluated: 2026-08-14. Review status: criteria provided, single submitter. Criteria: Ambry Variant Classification Scheme 2023. Collection method: clinical testing. Allele origin: germline.
Comment: The p.Y207C variant (also known as c.620A>G), located in coding exon 1 of the MC1R gene, results from an A to G substitution at nucleotide position 620. The tyrosine at codon 207 is replaced by cysteine, an amino acid with highly dissimilar properties. This amino acid position is conserved. In addition, the in silico prediction for this alteration is inconclusive. Based on the available evidence, the clinical significance of this variant remains unclear.

NM_002386.4(MC1R):c.620A>G (p.Tyr207Cys)

Gene: MC1R (melanocortin 1 receptor; plus strand). Cytogenetic location: 16q24.3.
Variant type: single nucleotide variant.
Coding change: c.620A>G on transcript NM_002386.4 (MANE Select); coding-DNA position 620, A replaced by G.
Protein change: p.Tyr207Cys; replaces tyrosine 207 with cysteine.
Molecular consequence: missense variant.
Genome position (GRCh38, 1-based): chr16:89,919,878, A>G. VCF-style: chr16-89919878-A-G. GRCh37 (hg19) VCF-style: chr16-89986286-A-G.
Other names: short protein forms Y207C.
Identifiers: ClinVar variation 5024078 (VCV005024078.1).